The following is an entry in ClinVar:

NM_014704.4(CEP104):c.2682C>T (p.Ala894=)

Gene: CEP104 (centrosomal protein 104; minus strand). Cytogenetic location: 1p36.32.
Variant type: single nucleotide variant.
Coding change: c.2682C>T on transcript NM_014704.4 (MANE Select); coding-DNA position 2682, C replaced by T.
Protein change: p.Ala894=; no amino-acid change (alanine 894 retained).
Molecular consequence: synonymous variant.
Genome position (GRCh38, 1-based): chr1:3,815,498, G>A on the plus strand (C>T on the coding strand, the complement: CEP104 is on the minus strand). VCF-style: chr1-3815498-G-A. GRCh37 (hg19) VCF-style: chr1-3732062-G-A.
Other names: c.2682C>T (NM_014704.3).
Identifiers: ClinVar variation 4804286 (VCV004804286.3).

ClinVar aggregate classification (germline): Likely benign. Review status: criteria provided, multiple submitters, no conflicts (2 of 4 stars). 3 submissions from 3 submitters: Likely benign (3). Last evaluated 2026-07-21.

Conditions:
CEP104-related disorder. Also called: CEP104-related condition.
Joubert syndrome 25 (JBTS25). Identifiers: Orphanet 475, MedGen C4084842, MONDO:0014770, OMIM 616781.

gnomAD v4.1: 40 of 1,606,328 alleles (0.0025%); highest among the groups gnomAD compares: Middle Eastern, 0.017%; no homozygotes.

Submissions (3):

PreventionGenetics, part of Exact Sciences
Classification: Likely benign for CEP104-related condition. Last evaluated: 2026-07-21. Review status: criteria provided, single submitter. Criteria: ACMG Guidelines, 2015. Collection method: clinical testing. Allele origin: germline.
Comment: This variant is classified as likely benign based on ACMG/AMP sequence variant interpretation guidelines (Richards et al. 2015 PMID: 25741868, with internal and published modifications).

Labcorp Genetics (formerly Invitae), Labcorp
Classification: Likely benign for Joubert syndrome 25. Last evaluated: 2026-01-28. Review status: criteria provided, single submitter. Criteria: Invitae Variant Classification Sherloc (09022015). Collection method: clinical testing. Allele origin: germline.

Blueprint Genetics
Classification: Likely benign. Last evaluated: 2023-11-17. Review status: criteria provided, single submitter. Criteria: ACMG Guidelines, 2015. Collection method: clinical testing. Allele origin: germline.